The following is an entry in ClinVar:

ClinVar aggregate classification (germline): Pathogenic. Review status: criteria provided, multiple submitters, no conflicts (2 of 4 stars). 2 submissions from 2 submitters: Pathogenic (2). Last evaluated 2024-07-16.

Conditions:
Dilated cardiomyopathy 3B (CMD3B). Also called: CMD3B: DMD-Related Dilated Cardiomyopathy; CARDIOMYOPATHY, DILATED, X-LINKED; DMD-Associated Dilated Cardiomyopathy. Identifiers: Orphanet 154, MedGen C3668940, MONDO:0010542, OMIM 302045.
Duchenne muscular dystrophy (DMD). Also called: MUSCULAR DYSTROPHY, PSEUDOHYPERTROPHIC PROGRESSIVE, DUCHENNE TYPE; Duchenne Muscular Dystrophy (DMD). Identifiers: Orphanet 98896, MedGen C0013264, MONDO:0010679, OMIM 310200.

Submissions (2):

Labcorp Genetics (formerly Invitae), Labcorp
Classification: Pathogenic for Duchenne muscular dystrophy. Last evaluated: 2024-07-16. Review status: criteria provided, single submitter. Criteria: Invitae Variant Classification Sherloc (09022015). Collection method: clinical testing. Allele origin: germline.
Comment: This sequence change creates a premature translational stop signal (p.Glu2934*) in the DMD gene. It is expected to result in an absent or disrupted protein product. Loss-of-function variants in DMD are known to be pathogenic (PMID: 16770791, 25007885). This variant is not present in population databases (gnomAD no frequency). This premature translational stop signal has been observed in individuals with Duchenne muscular dystrophy (PMID: 28332368, 34297739). ClinVar contains an entry for this variant (Variation ID: 689489). For these reasons, this variant has been classified as Pathogenic.

Petrovsky National Research Centre of Surgery, The Federal Agency for Scientific Organizations
Classification: Pathogenic for Dilated cardiomyopathy 3B. Last evaluated: 2019-09-06. Review status: criteria provided, single submitter. Criteria: ACMG Guidelines, 2015. Collection method: clinical testing. Allele origin: unknown. Inheritance: X-linked inheritance. Affected: yes. Observed: 1 heterozygote.
Comment: The variant is absent from large population studies (ExAC no frequency). Mutations in DMD gene can cause X-linked DCM (XLDCM) within affected males and carrier females (PMID: 3574369, 12359139, 26066469). Loss-of-function mutations (stop-gain, frameshift, etc) in dystrophin encoding genes or associated proteins result in severe consequences (PMID: 26140716). Based on this evidences the E2934X variant is classified as Pathogenic.

Literature cited by the submitters: PubMed 16770791 (cited by Labcorp Genetics (formerly Invitae), Labcorp); PubMed 25007885 (cited by Labcorp Genetics (formerly Invitae), Labcorp); PubMed 28332368 (cited by Labcorp Genetics (formerly Invitae), Labcorp); PubMed 34297739 (cited by Labcorp Genetics (formerly Invitae), Labcorp).

NM_004006.3(DMD):c.8800G>T (p.Glu2934Ter)

Gene: DMD (dystrophin; minus strand). Cytogenetic location: Xp21.2.
Variant type: single nucleotide variant.
Coding change: c.8800G>T on transcript NM_004006.3 (MANE Select); coding-DNA position 8800, G replaced by T.
Protein change: p.Glu2934Ter; replaces glutamic acid 2934 with a stop codon.
Molecular consequence: nonsense.
Genome position (GRCh38, 1-based): chrX:31,478,243, C>A on the plus strand (G>T on the coding strand, the complement: DMD is on the minus strand). VCF-style: chrX-31478243-C-A. GRCh37 (hg19) VCF-style: chrX-31496360-C-A.
Other names: c.8788G>T, p.Glu2930Ter (NM_004009.3); c.8431G>T, p.Glu2811Ter (NM_004010.3); c.4777G>T, p.Glu1593Ter (NM_004011.4); c.4768G>T, p.Glu1590Ter (NM_004012.4); c.1420G>T, p.Glu474Ter (NM_004013.3, NM_004020.4, NM_004021.3 and 2 more transcripts); c.613G>T, p.Glu205Ter (NM_004014.3); c.8776G>T, p.Glu2926Ter (NM_000109.4); short protein forms E1590*, E1593*, E205*, E2811*, E2926*, E2930*, E2934*, E474*.
Identifiers: ClinVar variation 689489 (VCV000689489.5), dbSNP rs1603222556, ClinGen allele CA412654125.
Genomic context (GRCh38, chrX:31,478,243, plus strand): 5'-CAGCTTGGCGCAGCTTGAGGTCCAGCTCATCCGTGGCCTCTTGAAGTTCCCGGAGTCTTT[C>A]AAGGGTCTCATCTATTTTTCTCTGCCAGTCAGCGGAGTGCAGGTTCAATTTTTCCCACTC-3'